The following is an entry in ClinVar:

NM_001292034.3(TAB2):c.156A>G (p.Arg52=)

Gene: TAB2 (TGF-beta activated kinase 1 (MAP3K7) binding protein 2; plus strand). Cytogenetic location: 6q25.1.
Variant type: single nucleotide variant.
Coding change: c.156A>G on transcript NM_001292034.3 (MANE Select); coding-DNA position 156, A replaced by G.
Protein change: p.Arg52=; no amino-acid change (arginine 52 retained).
Molecular consequence: synonymous variant.
Genome position (GRCh38, 1-based): chr6:149,378,071, A>G. VCF-style: chr6-149378071-A-G. GRCh37 (hg19) VCF-style: chr6-149699207-A-G.
Other names: c.60A>G, p.Arg20= (NM_001292035.3); c.156A>G, p.Arg52= (NM_001369506.1, NM_015093.6); c.156A>G (NM_015093.4).
Identifiers: ClinVar variation 729745 (VCV000729745.54), dbSNP rs143213478, ClinGen allele CA4041359.

ClinVar aggregate classification (germline): Conflicting classifications of pathogenicity. Review status: criteria provided, conflicting classifications (1 of 4 stars). 4 submissions from 4 submitters: Uncertain significance (1); Likely benign (3). Last evaluated 2026-05-01.

Allele frequency attached by ClinVar (database versions not stated): gnomAD exomes 0.00008 and 0.00010; ExAC 0.00010; gnomAD 0.00011 and 0.00012; TOPMed 0.00011; ESP Exome Variant Server 0.00023.
gnomAD v4.1: 136 of 1,614,020 alleles (0.0084%); highest among the groups gnomAD compares: Non-Finnish European, 0.0092%; 1 homozygote.

Submissions (5):

CeGaT Center for Human Genetics Tuebingen
Classification: Likely benign. Last evaluated: 2026-05-01. Review status: criteria provided, single submitter. Criteria: CeGaT Center For Human Genetics Tuebingen Variant Classification Criteria Version 2. Collection method: clinical testing. Allele origin: germline. Affected: yes. Observed: 5 variant alleles.
Comment: TAB2: BP4, BP7

Labcorp Genetics (formerly Invitae), Labcorp
Classification: Likely benign. Last evaluated: 2025-10-01. Review status: criteria provided, single submitter. Criteria: Invitae Variant Classification Sherloc (09022015). Collection method: clinical testing. Allele origin: germline.

Blueprint Genetics
Classification: Likely benign. Last evaluated: 2024-11-15. Review status: criteria provided, single submitter. Criteria: ACMG Guidelines, 2015. Collection method: clinical testing. Allele origin: germline.

GeneDx
Classification: Uncertain significance. Last evaluated: 2020-01-15. Review status: criteria provided, single submitter. Criteria: GeneDx Variant Classification Process June 2021. Collection method: clinical testing. Allele origin: germline. Affected: yes.
Comment: Has not been previously published as pathogenic or benign to our knowledge; In-silico analysis, which includes splice predictors and evolutionary conservation, is inconclusive as to whether the variant alters gene splicing. In the absence of RNA/functional studies, the actual effect of this sequence change is unknown.

Dr. Peter K. Rogan Lab, Western University
No classification provided (evidence only). Condition: Familial cancer of breast. Review status: no classification provided. Collection method: in vitro. Allele origin: not applicable. Functional consequence: skipped exon. Not counted in ClinVar's aggregate classification.